The following is an entry in ClinVar:

NM_001372.4(DNAH9):c.10015G>A (p.Glu3339Lys)

Gene: DNAH9 (dynein axonemal heavy chain 9; plus strand). Cytogenetic location: 17p12.
Variant type: single nucleotide variant.
Coding change: c.10015G>A on transcript NM_001372.4 (MANE Select); coding-DNA position 10015, G replaced by A.
Protein change: p.Glu3339Lys; replaces glutamic acid 3339 with lysine.
Molecular consequence: missense variant.
Genome position (GRCh38, 1-based): chr17:11,869,215, G>A. VCF-style: chr17-11869215-G-A. GRCh37 (hg19) VCF-style: chr17-11772532-G-A.
Other names: c.10015G>A (NM_001372.3); short protein forms E3339K.
Identifiers: ClinVar variation 2177492 (VCV002177492.2), dbSNP rs369987217, ClinGen allele CA8397373.

ClinVar aggregate classification (germline): Uncertain significance. Review status: criteria provided, multiple submitters, no conflicts (2 of 4 stars). 2 submissions from 2 submitters: Uncertain significance (2). Last evaluated 2026-08-19.

Conditions:
DNAH9-related disorder. Also called: DNAH9-related condition.

Allele frequency attached by ClinVar (database versions not stated): 1000 Genomes Project 30x 0.00016; 1000 Genomes Project 0.00020; gnomAD 0.00005; ExAC 0.00006; gnomAD exomes 0.00006; TOPMed 0.00007; ESP Exome Variant Server 0.00008.
gnomAD v4.1: 98 of 1,613,752 alleles (0.0061%); highest among the groups gnomAD compares: Non-Finnish European, 0.0072%; no homozygotes.

Submissions (2):

PreventionGenetics, part of Exact Sciences
Classification: Uncertain significance for DNAH9-related condition. Last evaluated: 2026-08-19. Review status: criteria provided, single submitter. Criteria: ACMG Guidelines, 2015. Collection method: clinical testing. Allele origin: germline.
Comment: The DNAH9 c.10015G>A variant is predicted to result in the amino acid substitution p.Glu3339Lys. To our knowledge, this variant has not been reported in the literature. This variant is reported in 0.0080% of alleles in individuals of African descent in gnomAD. At this time, the clinical significance of this variant is uncertain due to the absence of conclusive functional and genetic evidence.

Labcorp Genetics (formerly Invitae), Labcorp
Classification: Uncertain significance. Last evaluated: 2022-09-29. Review status: criteria provided, single submitter. Criteria: Invitae Variant Classification Sherloc (09022015). Collection method: clinical testing. Allele origin: germline.
Comment: This sequence change replaces glutamic acid, which is acidic and polar, with lysine, which is basic and polar, at codon 3339 of the DNAH9 protein (p.Glu3339Lys). This variant is present in population databases (rs369987217, gnomAD 0.008%). This variant has not been reported in the literature in individuals affected with DNAH9-related conditions. Advanced modeling of protein sequence and biophysical properties (such as structural, functional, and spatial information, amino acid conservation, physicochemical variation, residue mobility, and thermodynamic stability) performed at Invitae indicates that this missense variant is not expected to disrupt DNAH9 protein function. In summary, the available evidence is currently insufficient to determine the role of this variant in disease. Therefore, it has been classified as a Variant of Uncertain Significance.